The following is an entry in ClinVar:

NM_006206.6(PDGFRA):c.2562+4C>A

Gene: PDGFRA (platelet derived growth factor receptor alpha; plus strand). Cytogenetic location: 4q12.
Variant type: single nucleotide variant.
Coding change: c.2562+4C>A on transcript NM_006206.6 (MANE Select); 4 bases into the intron after coding-DNA position 2562, C replaced by A.
Molecular consequence: intron variant.
Genome position (GRCh38, 1-based): chr4:54,285,967, C>A. VCF-style: chr4-54285967-C-A. GRCh37 (hg19) VCF-style: chr4-55152134-C-A.
Other names: c.2637+4C>A (NM_001347828.2); c.2562+4C>A (NM_001347829.2); c.2601+4C>A (NM_001347830.2).
Identifiers: ClinVar variation 3728080 (VCV003728080.2).

ClinVar aggregate classification (germline): Uncertain significance (1 of 4 stars; one submission).

Conditions:
Gastrointestinal stromal tumor. Also called: Gastrointestinal stromal tumor, somatic; Gastrointestinal stroma tumor. Identifiers: Orphanet 44890, MedGen C0238198, MeSH D046152, MONDO:0011719, OMIM 606764, HP:0100723.

Submission:

Labcorp Genetics (formerly Invitae), Labcorp
Classification: Uncertain significance for Gastrointestinal stromal tumor. Last evaluated: 2024-12-26. Review status: criteria provided, single submitter. Criteria: Invitae Variant Classification Sherloc (09022015). Collection method: clinical testing. Allele origin: germline.
Comment: This sequence change falls in intron 18 of the PDGFRA gene. It does not directly change the encoded amino acid sequence of the PDGFRA protein. It affects a nucleotide within the consensus splice site. This variant is not present in population databases (gnomAD no frequency). This variant has not been reported in the literature in individuals affected with PDGFRA-related conditions. Variants that disrupt the consensus splice site are a relatively common cause of aberrant splicing (PMID: 17576681, 9536098). Algorithms developed to predict the effect of sequence changes on RNA splicing suggest that this variant is not likely to affect RNA splicing. In summary, the available evidence is currently insufficient to determine the role of this variant in disease. Therefore, it has been classified as a Variant of Uncertain Significance.

Literature cited by the submitters: PubMed 17576681; PubMed 9536098.